The following is an entry in ClinVar:

ClinVar aggregate classification (germline): Uncertain significance (1 of 4 stars; one submission).

Conditions:
Combined immunodeficiency due to OX40 deficiency. Also called: OX40 DEFICIENCY; Immunodeficiency 16. Identifiers: Orphanet 431149, MedGen C3810053, MONDO:0014268, OMIM 615593.

Allele frequency attached by ClinVar (database versions not stated): gnomAD exomes below 0.00001.
gnomAD v4.1: 1 of 1,550,470 alleles (0.000064%); highest among the groups gnomAD compares: East Asian, 0.0023%; no homozygotes.

Submission:

Labcorp Genetics (formerly Invitae), Labcorp
Classification: Uncertain significance for Combined immunodeficiency due to OX40 deficiency. Last evaluated: 2023-08-07. Review status: criteria provided, single submitter. Criteria: Invitae Variant Classification Sherloc (09022015). Collection method: clinical testing. Allele origin: germline.
Comment: This sequence change falls in intron 5 of the TNFRSF4 gene. It does not directly change the encoded amino acid sequence of the TNFRSF4 protein. It affects a nucleotide within the consensus splice site. This variant is not present in population databases (gnomAD no frequency). This variant has not been reported in the literature in individuals affected with TNFRSF4-related conditions. Variants that disrupt the consensus splice site are a relatively common cause of aberrant splicing (PMID: 17576681, 9536098). Algorithms developed to predict the effect of sequence changes on RNA splicing suggest that this variant may disrupt the consensus splice site. In summary, the available evidence is currently insufficient to determine the role of this variant in disease. Therefore, it has been classified as a Variant of Uncertain Significance.

Literature cited by the submitters: PubMed 17576681; PubMed 9536098.

NM_003327.4(TNFRSF4):c.634+5G>C

Gene: TNFRSF4 (TNF receptor superfamily member 4; minus strand). Cytogenetic location: 1p36.33.
Variant type: single nucleotide variant.
Coding change: c.634+5G>C on transcript NM_003327.4 (MANE Select); 5 bases into the intron after coding-DNA position 634, G replaced by C.
Molecular consequence: intron variant.
Genome position (GRCh38, 1-based): chr1:1,211,937, C>G on the plus strand (G>C on the coding strand, the complement: TNFRSF4 is on the minus strand). VCF-style: chr1-1211937-C-G. GRCh37 (hg19) VCF-style: chr1-1147317-C-G.
Other names: c.634+5G>C (NM_001410709.1).
Identifiers: ClinVar variation 2751129 (VCV002751129.3), dbSNP rs1649143460, ClinGen allele CA2642518911.
Genomic context (GRCh38, chr1:1,211,937, plus strand): 5'-CATGCCGCCCTCCCCTTCTCCTATTCGGGTTGGGGGCCCCGCTGGGCTGGGCCAGGCGCC[C>G]TTACCCCCGGGGACCTCCACGGGCCGGGTGGAGGGTCCCTGTGAGGTTCTGGGCCAGGCT-3'